The following is an entry in ClinVar:

ClinVar aggregate classification (germline): Uncertain significance (1 of 4 stars; one submission).

Conditions:
DICER1-related tumor predisposition. Also called: DICER1-related pleuropulmonary blastoma cancer predisposition syndrome; DICER1 syndrome. Identifiers: Orphanet 284343, MedGen C3839822, MONDO:0100216.

Submission:

Labcorp Genetics (formerly Invitae), Labcorp
Classification: Uncertain significance for DICER1-related tumor predisposition. Last evaluated: 2024-04-14. Review status: criteria provided, single submitter. Criteria: Invitae Variant Classification Sherloc (09022015). Collection method: clinical testing. Allele origin: germline.
Comment: This sequence change replaces leucine, which is neutral and non-polar, with phenylalanine, which is neutral and non-polar, at codon 539 of the DICER1 protein (p.Leu539Phe). This variant is not present in population databases (gnomAD no frequency). This variant has not been reported in the literature in individuals affected with DICER1-related conditions. Advanced modeling of protein sequence and biophysical properties (such as structural, functional, and spatial information, amino acid conservation, physicochemical variation, residue mobility, and thermodynamic stability) performed at Invitae indicates that this missense variant is not expected to disrupt DICER1 protein function with a negative predictive value of 80%. Algorithms developed to predict the effect of sequence changes on RNA splicing suggest that this variant may create or strengthen a splice site. In summary, the available evidence is currently insufficient to determine the role of this variant in disease. Therefore, it has been classified as a Variant of Uncertain Significance.

NM_177438.3(DICER1):c.1617G>T (p.Leu539Phe)

Gene: DICER1 (dicer 1, ribonuclease III; minus strand). Cytogenetic location: 14q32.13.
Variant type: single nucleotide variant.
Coding change: c.1617G>T on transcript NM_177438.3 (MANE Select); coding-DNA position 1617, G replaced by T.
Protein change: p.Leu539Phe; replaces leucine 539 with phenylalanine.
Molecular consequence: missense variant. On other transcripts: non-coding transcript variant (6), intron variant (1).
Genome position (GRCh38, 1-based): chr14:95,116,588, C>A on the plus strand (G>T on the coding strand, the complement: DICER1 is on the minus strand). VCF-style: chr14-95116588-C-A. GRCh37 (hg19) VCF-style: chr14-95582925-C-A.
Other names: c.1617G>T, p.Leu539Phe (NM_001195573.1, NM_001271282.3, NM_001291628.2 and 13 more transcripts); c.1335G>T, p.Leu445Phe (NM_001395686.1); c.1212G>T, p.Leu404Phe (NM_001395687.1, NM_001395688.1, NM_001395689.1 and 3 more transcripts); c.1050G>T, p.Leu350Phe (NM_001395691.1); c.-59-8G>T (NM_001395697.1); short protein forms L404F, L350F, L445F, L539F.
Identifiers: ClinVar variation 2719403 (VCV002719403.3), dbSNP rs2140124786, ClinGen allele CA390884946.